The following is an entry in ClinVar:

ClinVar aggregate classification (germline): Uncertain significance (1 of 4 stars; one submission).

Conditions:
Neurofibromatosis, type 1 (NF1). Also called: Peripheral type neurofibromatosis; VON RECKLINGHAUSEN DISEASE; Neurofibromatosis, type I; NEUROFIBROMATOSIS, TYPE I, SOMATIC. Identifiers: Orphanet 636, MedGen C0027831, MONDO:0018975, OMIM 162200. Disease mechanism: loss of function.

Submission:

Labcorp Genetics (formerly Invitae), Labcorp
Classification: Uncertain significance for Neurofibromatosis, type 1. Last evaluated: 2023-01-16. Review status: criteria provided, single submitter. Criteria: Invitae Variant Classification Sherloc (09022015). Collection method: clinical testing. Allele origin: germline.
Comment: This variant is not present in population databases (gnomAD no frequency). In summary, the available evidence is currently insufficient to determine the role of this variant in disease. Therefore, it has been classified as a Variant of Uncertain Significance. Advanced modeling of protein sequence and biophysical properties (such as structural, functional, and spatial information, amino acid conservation, physicochemical variation, residue mobility, and thermodynamic stability) performed at Invitae indicates that this missense variant is expected to disrupt NF1 protein function. ClinVar contains an entry for this variant (Variation ID: 845875). This variant has not been reported in the literature in individuals affected with NF1-related conditions. This sequence change replaces proline, which is neutral and non-polar, with leucine, which is neutral and non-polar, at codon 2634 of the NF1 protein (p.Pro2634Leu).

NM_001042492.3(NF1):c.7964C>T (p.Pro2655Leu)

Gene: NF1 (neurofibromin 1; plus strand). Cytogenetic location: 17q11.2.
Variant type: single nucleotide variant.
Coding change: c.7964C>T on transcript NM_001042492.3 (MANE Select); coding-DNA position 7964, C replaced by T.
Protein change: p.Pro2655Leu; replaces proline 2655 with leucine.
Molecular consequence: missense variant.
Genome position (GRCh38, 1-based): chr17:31,357,363, C>T. VCF-style: chr17-31357363-C-T. GRCh37 (hg19) VCF-style: chr17-29684381-C-T.
Other names: c.7901C>T, p.Pro2634Leu (NM_000267.4); short protein forms P2634L, P2655L.
Identifiers: ClinVar variation 845875 (VCV000845875.6), dbSNP rs2070299592, ClinGen allele CA399203558.